The following is an entry in ClinVar:

ClinVar aggregate classification (germline): Conflicting classifications of pathogenicity. Review status: criteria provided, conflicting classifications (1 of 4 stars). 3 submissions from 3 submitters: Uncertain significance (2); Likely benign (1). Last evaluated 2025-11-08.

Conditions:
Hereditary cancer-predisposing syndrome. Also called: Hereditary Cancer Syndrome; Hereditary neoplastic syndrome; Neoplastic Syndromes, Hereditary; Tumor predisposition. Identifiers: Orphanet 140162, MedGen C0027672, MeSH D009386, MONDO:0015356.
Hereditary breast ovarian cancer syndrome. Also called: Hereditary breast and ovarian cancer syndrome (HBOC); Breast and ovarian cancer; BRCA1- and BRCA2-Associated Hereditary Breast and Ovarian Cancer; Hereditary breast and/or ovarian cancer syndrome; Hereditary breast and ovarian cancer; Hereditary breast and ovarian cancer syndrome. Identifiers: Orphanet 145, MedGen C0677776, MeSH D061325, MONDO:0003582. Disease mechanism: loss of function.

Submissions (3):

Labcorp Genetics (formerly Invitae), Labcorp
Classification: Uncertain significance for Hereditary breast ovarian cancer syndrome. Last evaluated: 2025-11-08. Review status: criteria provided, single submitter. Criteria: Invitae Variant Classification Sherloc (09022015). Collection method: clinical testing. Allele origin: germline.
Comment: This sequence change replaces serine, which is neutral and polar, with proline, which is neutral and non-polar, at codon 2172 of the BRCA2 protein (p.Ser2172Pro). Information on the frequency of this variant in the gnomAD database is not available, as this variant may be reported differently in the database. This variant has not been reported in the literature in individuals affected with BRCA2-related conditions. ClinVar contains an entry for this variant (Variation ID: 1430061). Experimental studies and prediction algorithms are not available or were not evaluated, and the functional significance of this variant is currently unknown. In summary, the available evidence is currently insufficient to determine the role of this variant in disease. Therefore, it has been classified as a Variant of Uncertain Significance.

Ambry Genetics
Classification: Uncertain significance for Hereditary cancer-predisposing syndrome. Last evaluated: 2024-09-10. Review status: criteria provided, single submitter. Criteria: Ambry Variant Classification Scheme 2023. Collection method: clinical testing. Allele origin: germline.
Comment: The c.6513_6514delGTinsCC variant (also known as p.S2172P), located in coding exon 10 of the BRCA2 gene, results from an in-frame deletion of GT and insertion of CC at nucleotide positions 6513 to 6514. This results in the substitution of the serine residue for a proline residue at codon 2172, an amino acid with similar properties. This amino acid position is not well conserved in available vertebrate species. In addition, this alteration is predicted to be neutral by in silico analysis (Choi Y et al. PLoS ONE. 2012; 7(10):e46688). Based on the available evidence, the clinical significance of this variant remains unclear.

University of Washington Department of Laboratory Medicine, University of Washington
Classification: Likely benign for Hereditary cancer-predisposing syndrome. Last evaluated: 2023-03-23. Review status: criteria provided, single submitter. Criteria: Dines et al. (Genet Med. 2020). Collection method: curation. Allele origin: germline.
Comment: Missense variant in a coldspot region where missense variants are very unlikely to be pathogenic (PMID:31911673).

BRCA2 exon 11 coldspot. Reclassification based on statistical prior probability.

NM_000059.4(BRCA2):c.6513_6514delinsCC (p.Ser2172Pro)

Gene: BRCA2 (BRCA2 DNA repair associated; plus strand). Cytogenetic location: 13q13.1.
Variant type: Indel.
Coding change: c.6513_6514delinsCC on transcript NM_000059.4 (MANE Select); coding-DNA positions 6513 to 6514, GT replaced by CC.
Protein change: p.Ser2172Pro; replaces serine 2172 with proline.
Molecular consequence: missense variant.
Genome position (GRCh38, 1-based): chr13:32,340,868-32,340,869, GT replaced by CC. VCF-style: chr13-32340868-GT-CC. GRCh37 (hg19) VCF-style: chr13-32915005-GT-CC.
Other names: c.6513_6514delGTinsCC (NM_000059.3); short protein forms S2172P.
Identifiers: ClinVar variation 1430061 (VCV001430061.7), dbSNP rs1064794089, ClinGen allele CA2573149194.